The following is an entry in ClinVar:

NM_004655.4(AXIN2):c.1829G>C (p.Arg610Pro)

Gene: AXIN2 (axin 2; minus strand). Cytogenetic location: 17q24.1.
Variant type: single nucleotide variant.
Coding change: c.1829G>C on transcript NM_004655.4 (MANE Select); coding-DNA position 1829, G replaced by C.
Protein change: p.Arg610Pro; replaces arginine 610 with proline.
Molecular consequence: missense variant. On other transcripts: intron variant (1).
Genome position (GRCh38, 1-based): chr17:65,536,947, C>G on the plus strand (G>C on the coding strand, the complement: AXIN2 is on the minus strand). VCF-style: chr17-65536947-C-G. GRCh37 (hg19) VCF-style: chr17-63533065-C-G.
Other names: c.1712+377G>C (NM_001363813.1); short protein forms R610P.
Identifiers: ClinVar variation 937990 (VCV000937990.19), dbSNP rs376248072, ClinGen allele CA400676546.

ClinVar aggregate classification (germline): Uncertain significance. Review status: criteria provided, multiple submitters, no conflicts (2 of 4 stars). 3 submissions from 3 submitters: Uncertain significance (3). Last evaluated 2026-06-23.

Conditions:
Hereditary cancer-predisposing syndrome. Also called: Neoplastic Syndromes, Hereditary; Hereditary Cancer Syndrome; Tumor predisposition; Hereditary neoplastic syndrome. Identifiers: Orphanet 140162, MedGen C0027672, MeSH D009386, MONDO:0015356.
Oligodontia-cancer predisposition syndrome. Also called: TOOTH AGENESIS-COLORECTAL CANCER SYNDROME. Identifiers: Orphanet 300576, MedGen C1837750, MONDO:0012075, OMIM 608615. Disease mechanism: loss of function.

gnomAD v4.1: 3 of 1,613,538 alleles (0.00019%); highest among the groups gnomAD compares: South Asian, 0.0011%; no homozygotes.

Submissions (3):

Ambry Genetics
Classification: Uncertain significance for Hereditary cancer-predisposing syndrome. Last evaluated: 2026-06-23. Review status: criteria provided, single submitter. Criteria: Ambry Variant Classification Scheme 2023. Collection method: clinical testing. Allele origin: germline.
Comment: The p.R610P variant (also known as c.1829G>C), located in coding exon 6 of the AXIN2 gene, results from a G to C substitution at nucleotide position 1829. The arginine at codon 610 is replaced by proline, an amino acid with dissimilar properties. This amino acid position is conserved. In addition, this alteration is predicted to be tolerated by in silico analysis. Based on the available evidence, the clinical significance of this variant remains unclear.

Labcorp Genetics (formerly Invitae), Labcorp
Classification: Uncertain significance for Oligodontia-cancer predisposition syndrome. Last evaluated: 2026-01-12. Review status: criteria provided, single submitter. Criteria: Invitae Variant Classification Sherloc (09022015). Collection method: clinical testing. Allele origin: germline.
Comment: This sequence change replaces arginine, which is basic and polar, with proline, which is neutral and non-polar, at codon 610 of the AXIN2 protein (p.Arg610Pro). This variant is present in population databases (no rsID available, gnomAD 0.003%). This variant has not been reported in the literature in individuals affected with AXIN2-related conditions. ClinVar contains an entry for this variant (Variation ID: 937990). Invitae Evidence Modeling of protein sequence and biophysical properties (such as structural, functional, and spatial information, amino acid conservation, physicochemical variation, residue mobility, and thermodynamic stability) indicates that this missense variant is not expected to disrupt AXIN2 protein function with a negative predictive value of 80%. In summary, the available evidence is currently insufficient to determine the role of this variant in disease. Therefore, it has been classified as a Variant of Uncertain Significance.

Center for Genomic Medicine, Rigshospitalet, Copenhagen University Hospital
Classification: Uncertain significance. Last evaluated: 2025-03-04. Review status: criteria provided, single submitter. Criteria: ACMG Guidelines, 2015. Collection method: clinical testing. Allele origin: germline.